The following is an entry in ClinVar:

ClinVar aggregate classification (germline): Uncertain significance (1 of 4 stars; one submission).

Conditions:
Spastic paraplegia. Identifiers: MedGen C0037772, HP:0001258.

Allele frequency attached by ClinVar (database versions not stated): TOPMed 0.00001.
gnomAD v4.1: 3 of 1,606,610 alleles (0.00019%); highest among the groups gnomAD compares: Non-Finnish European, 0.00026%; no homozygotes.

Submission:

Labcorp Genetics (formerly Invitae), Labcorp
Classification: Uncertain significance for Spastic paraplegia. Last evaluated: 2023-08-10. Review status: criteria provided, single submitter. Criteria: Invitae Variant Classification Sherloc (09022015). Collection method: clinical testing. Allele origin: germline.
Comment: In summary, the available evidence is currently insufficient to determine the role of this variant in disease. Therefore, it has been classified as a Variant of Uncertain Significance. Advanced modeling of protein sequence and biophysical properties (such as structural, functional, and spatial information, amino acid conservation, physicochemical variation, residue mobility, and thermodynamic stability) has been performed at Invitae for this missense variant, however the output from this modeling did not meet the statistical confidence thresholds required to predict the impact of this variant on HSPD1 protein function. This variant has not been reported in the literature in individuals affected with HSPD1-related conditions. This variant is present in population databases (no rsID available, gnomAD 0.0009%). This sequence change replaces threonine, which is neutral and polar, with methionine, which is neutral and non-polar, at codon 173 of the HSPD1 protein (p.Thr173Met).

NM_002156.5(HSPD1):c.518C>T (p.Thr173Met)

Gene: HSPD1 (heat shock protein family D (Hsp60) member 1; minus strand). Cytogenetic location: 2q33.1.
Variant type: single nucleotide variant.
Coding change: c.518C>T on transcript NM_002156.5 (MANE Select); coding-DNA position 518, C replaced by T.
Protein change: p.Thr173Met; replaces threonine 173 with methionine.
Molecular consequence: missense variant.
Genome position (GRCh38, 1-based): chr2:197,494,745, G>A on the plus strand (C>T on the coding strand, the complement: HSPD1 is on the minus strand). VCF-style: chr2-197494745-G-A. GRCh37 (hg19) VCF-style: chr2-198359469-G-A.
Other names: c.518C>T, p.Thr173Met (NM_199440.2); short protein forms T173M.
Identifiers: ClinVar variation 2882282 (VCV002882282.3), dbSNP rs1217342431, ClinGen allele CA350202707.